The following is an entry in ClinVar:

NM_138927.4(SON):c.5868CAGCCGCACCCCCAGCCGCCG[2] (p.1957SRTPSRR[4])

Gene: SON (SON DNA and RNA binding protein; plus strand). Cytogenetic location: 21q22.11.
Variant type: Microsatellite.
Coding change: c.5868CAGCCGCACCCCCAGCCGCCG[2] on transcript NM_138927.4 (MANE Select); two copies in a row of the 21-base unit CAGCCGCACCCCCAGCCGCCG starting at c.5868; the reference has four copies in a row; two copies, 42 bases deleted.
Protein change: p.1957SRTPSRR[4].
Molecular consequence: inframe deletion. On other transcripts: non-coding transcript variant (1), intron variant (1).
Genome position (GRCh38, 1-based): chr21:33,555,141-33,555,182, 42 bases deleted; deleting any 42 consecutive bases within chr21:33,555,091-33,555,182 gives the same sequence; the position shown is the placement nearest the transcript's 3' end. GRCh37 (hg19), VCF-style position (the base before the change): chr21:34,927,396.
Other names: c.5910_5951del42 (NM_138927.2); c.5868CAGCCGCACCCCCAGCCGCCG[2], p.1957SRTPSRR[4] (NM_001291411.2, NM_032195.3); c.245-2065AGCCGCCGCAGCCGCACCCCC[2] (NM_001291412.3).
Identifiers: ClinVar variation 1579681 (VCV001579681.11), dbSNP rs1462103775, ClinGen allele CA638053256.

ClinVar aggregate classification (germline): Likely benign. Review status: criteria provided, multiple submitters, no conflicts (2 of 4 stars). 3 submissions from 3 submitters: Likely benign (2). 1 of the submissions does not count toward it. Last evaluated 2025-11-20.

Conditions:
SON-related disorder. Also called: SON-related condition.

Submissions (3):

Labcorp Genetics (formerly Invitae), Labcorp
Classification: Likely benign. Last evaluated: 2025-11-20. Review status: criteria provided, single submitter. Criteria: Invitae Variant Classification Sherloc (09022015). Collection method: clinical testing. Allele origin: germline.

Laboratory of Genetics, Children's Clinical University Hospital Latvia
Classification: Likely benign. Last evaluated: 2025-02-16. Review status: criteria provided, single submitter. Criteria: ACMG Guidelines, 2015. Collection method: clinical testing. Allele origin: germline. Affected: yes.

PreventionGenetics, part of Exact Sciences
Classification: Likely benign for SON-related condition. Last evaluated: 2020-09-16. Review status: no assertion criteria provided. Collection method: clinical testing. Allele origin: germline. Not counted in ClinVar's aggregate classification.
Comment: This variant is classified as likely benign based on ACMG/AMP sequence variant interpretation guidelines (Richards et al. 2015 PMID: 25741868, with internal and published modifications).